The following is an entry in ClinVar:

NM_014675.5(CROCC):c.5856G>A (p.Leu1952=)

Gene: CROCC (ciliary rootlet coiled-coil, rootletin; plus strand). Cytogenetic location: 1p36.13.
Variant type: single nucleotide variant.
Coding change: c.5856G>A on transcript NM_014675.5 (MANE Select); coding-DNA position 5856, G replaced by A.
Protein change: p.Leu1952=; no amino-acid change (leucine 1952 retained).
Molecular consequence: synonymous variant.
Genome position (GRCh38, 1-based): chr1:16,971,536, G>A. VCF-style: chr1-16971536-G-A. GRCh37 (hg19) VCF-style: chr1-17298031-G-A.
Identifiers: ClinVar variation 2638385 (VCV002638385.24), dbSNP rs201024516, ClinGen allele CA636098.
Genomic context (GRCh38, chr1:16,971,536, plus strand): 5'-GGTGCTGGAGCAGAGCCACAGCCCGGCCCAGCTGGAGGTGGATGCGCAGCAGCAGCAGCT[G>A]GAGCTGCAGCAGGAGGTGGAGCGGCTGCGCAGCGCCCAGGCGCAGACTGAGCGCACCCTG-3'
Protein context (NP_055490.4, residues 1942-1962): QLEVDAQQQQ[Leu1952=]ELQQEVERLR

ClinVar aggregate classification (germline): Likely benign (1 of 4 stars; one submission).

Allele frequency attached by ClinVar (database versions not stated): 1000 Genomes Project 30x 0.00016; ESP Exome Variant Server 0.00017; 1000 Genomes Project 0.00020; ExAC 0.00025; gnomAD 0.00060; TOPMed 0.00065; gnomAD exomes 0.00081.

Submission:

CeGaT Center for Human Genetics Tuebingen
Classification: Likely benign. Last evaluated: 2023-09-01. Review status: criteria provided, single submitter. Criteria: CeGaT Center For Human Genetics Tuebingen Variant Classification Criteria Version 2. Collection method: clinical testing. Allele origin: germline. Affected: yes. Observed: 1 variant allele.
Comment: CROCC: BP4, BP7